The following is an entry in ClinVar:

ClinVar aggregate classification (germline): Uncertain significance (1 of 4 stars; one submission).

Conditions:
Emery-Dreifuss muscular dystrophy 4, autosomal dominant (EDMD4). Also called: EMERY-DREIFUSS MUSCULAR DYSTROPHY 4 WITH VARIABLE FEATURES. Identifiers: Orphanet 261, MedGen C2751807, MONDO:0013071, OMIM 612998.
Autosomal recessive ataxia, Beauce type. Also called: SYNE1-Related Autosomal Recessive Cerebellar Ataxia; Spinocerebellar ataxia, autosomal recessive 8; ATAXIA, RECESSIVE, OF BEAUCE; SYNE1 Deficiency. Identifiers: Orphanet 88644, MedGen C1853116, MONDO:0012549, OMIM 610743.

Allele frequency attached by ClinVar (database versions not stated): gnomAD exomes below 0.00001; ExAC 0.00001.
gnomAD v4.1: 2 of 1,614,218 alleles (0.00012%); highest among the groups gnomAD compares: Non-Finnish European, 0.00017%; no homozygotes.

Submission:

Labcorp Genetics (formerly Invitae), Labcorp
Classification: Uncertain significance for Emery-Dreifuss muscular dystrophy 4, autosomal dominant; Autosomal recessive ataxia, Beauce type. Last evaluated: 2024-02-23. Review status: criteria provided, single submitter. Criteria: Invitae Variant Classification Sherloc (09022015). Collection method: clinical testing. Allele origin: germline.
Comment: This sequence change replaces alanine, which is neutral and non-polar, with serine, which is neutral and polar, at codon 3252 of the SYNE1 protein (p.Ala3252Ser). This variant is present in population databases (rs753548717, gnomAD 0.0009%). This variant has not been reported in the literature in individuals affected with SYNE1-related conditions. ClinVar contains an entry for this variant (Variation ID: 471060). An algorithm developed to predict the effect of missense changes on protein structure and function (PolyPhen-2) suggests that this variant is likely to be tolerated. In summary, the available evidence is currently insufficient to determine the role of this variant in disease. Therefore, it has been classified as a Variant of Uncertain Significance.

NM_182961.4(SYNE1):c.9733G>T (p.Ala3245Ser)

Gene: SYNE1 (spectrin repeat containing nuclear envelope protein 1; minus strand). Cytogenetic location: 6q25.2.
Variant type: single nucleotide variant.
Coding change: c.9733G>T on transcript NM_182961.4 (MANE Select); coding-DNA position 9733, G replaced by T.
Protein change: p.Ala3245Ser; replaces alanine 3245 with serine.
Molecular consequence: missense variant.
Genome position (GRCh38, 1-based): chr6:152,369,046, C>A on the plus strand (G>T on the coding strand, the complement: SYNE1 is on the minus strand). VCF-style: chr6-152369046-C-A. GRCh37 (hg19) VCF-style: chr6-152690181-C-A.
Other names: c.9754G>T, p.Ala3252Ser (NM_033071.5); short protein forms A3245S, A3252S.
Identifiers: ClinVar variation 471060 (VCV000471060.9), dbSNP rs753548717, ClinGen allele CA4057226.